The following is an entry in ClinVar:

ClinVar aggregate classification (germline): Uncertain significance. Review status: criteria provided, multiple submitters, no conflicts (2 of 4 stars). 2 submissions from 2 submitters: Uncertain significance (2). Last evaluated 2022-10-17.

Conditions:
RYR1-related disorder. Also called: RYR1-related disorders; RYR1-related condition. Identifiers: MedGen CN239331.

Submissions (2):

Labcorp Genetics (formerly Invitae), Labcorp
Classification: Uncertain significance for RYR1-related disorder. Last evaluated: 2022-10-17. Review status: criteria provided, single submitter. Criteria: Invitae Variant Classification Sherloc (09022015). Collection method: clinical testing. Allele origin: germline.
Comment: This variant is not present in population databases (gnomAD no frequency). In summary, the available evidence is currently insufficient to determine the role of this variant in disease. Therefore, it has been classified as a Variant of Uncertain Significance. Variants that disrupt the consensus splice site are a relatively common cause of aberrant splicing (PMID: 17576681, 9536098). Algorithms developed to predict the effect of sequence changes on RNA splicing suggest that this variant may disrupt the consensus splice site. ClinVar contains an entry for this variant (Variation ID: 590512). This variant has not been reported in the literature in individuals affected with RYR1-related conditions. This sequence change falls in intron 25 of the RYR1 gene. It does not directly change the encoded amino acid sequence of the RYR1 protein. It affects a nucleotide within the consensus splice site.

PreventionGenetics, part of Exact Sciences
Classification: Uncertain significance. Last evaluated: 2013-10-21. Review status: criteria provided, single submitter. Criteria: ACMG Guidelines, 2015. Collection method: clinical testing. Allele origin: germline.

Literature cited by the submitters: PubMed 17576681 (cited by Labcorp Genetics (formerly Invitae), Labcorp); PubMed 9536098 (cited by Labcorp Genetics (formerly Invitae), Labcorp).

NM_000540.3(RYR1):c.3381+6T>C

Gene: RYR1 (ryanodine receptor 1; plus strand). Cytogenetic location: 19q13.2.
Variant type: single nucleotide variant.
Coding change: c.3381+6T>C on transcript NM_000540.3 (MANE Select); 6 bases into the intron after coding-DNA position 3381, T replaced by C.
Molecular consequence: intron variant.
Genome position (GRCh38, 1-based): chr19:38,467,818, T>C. VCF-style: chr19-38467818-T-C. GRCh37 (hg19) VCF-style: chr19-38958458-T-C.
Other names: c.3381+6T>C (NM_001042723.2).
Identifiers: ClinVar variation 590512 (VCV000590512.9), dbSNP rs1568463621, ClinGen allele CA891862986.